The following is an entry in ClinVar:

ClinVar aggregate classification (germline): Uncertain significance (1 of 4 stars; one submission).

Conditions:
Retinitis pigmentosa 12 (RP12). Also called: RP WITH OR WITHOUT PRESERVED PARAARTERIOLE RETINAL PIGMENT EPITHELIUM; RETINITIS PIGMENTOSA WITH OR WITHOUT PARAARTERIOLAR PRESERVATION OF RETINAL PIGMENT EPITHELIUM; RP WITH OR WITHOUT PPRPE. Identifiers: Orphanet 791, MedGen C1838647, MONDO:0010818, OMIM 600105.
Leber congenital amaurosis 8 (LCA8). Identifiers: Orphanet 65, MedGen C3151202, MONDO:0013453, OMIM 613835.

Allele frequency attached by ClinVar (database versions not stated): ExAC 0.00003.
gnomAD v4.1: 12 of 1,613,922 alleles (0.00074%); highest among the groups gnomAD compares: South Asian, 0.013%; no homozygotes.

Submission:

Labcorp Genetics (formerly Invitae), Labcorp
Classification: Uncertain significance for Leber congenital amaurosis 8; Retinitis pigmentosa 12. Last evaluated: 2022-02-01. Review status: criteria provided, single submitter. Criteria: Invitae Variant Classification Sherloc (09022015). Collection method: clinical testing. Allele origin: germline.
Comment: This sequence change replaces proline, which is neutral and non-polar, with alanine, which is neutral and non-polar, at codon 777 of the CRB1 protein (p.Pro777Ala). This variant is present in population databases (rs750506922, gnomAD 0.03%). This variant has not been reported in the literature in individuals affected with CRB1-related conditions. Algorithms developed to predict the effect of missense changes on protein structure and function (SIFT, PolyPhen-2, Align-GVGD) all suggest that this variant is likely to be disruptive. In summary, the available evidence is currently insufficient to determine the role of this variant in disease. Therefore, it has been classified as a Variant of Uncertain Significance.

NM_201253.3(CRB1):c.2329C>G (p.Pro777Ala)

Gene: CRB1 (crumbs cell polarity complex component 1; plus strand). Cytogenetic location: 1q31.3.
Variant type: single nucleotide variant.
Coding change: c.2329C>G on transcript NM_201253.3 (MANE Select); coding-DNA position 2329, C replaced by G.
Protein change: p.Pro777Ala; replaces proline 777 with alanine.
Molecular consequence: missense variant. On other transcripts: non-coding transcript variant (2), intron variant (1).
Genome position (GRCh38, 1-based): chr1:197,427,654, C>G. VCF-style: chr1-197427654-C-G. GRCh37 (hg19) VCF-style: chr1-197396784-C-G.
Other names: c.1993C>G, p.Pro665Ala (NM_001193640.2); c.2122C>G, p.Pro708Ala (NM_001257965.2); c.2128+5698C>G (NM_001257966.2); short protein forms P777A, P665A, P708A.
Identifiers: ClinVar variation 1949296 (VCV001949296.2), dbSNP rs750506922, ClinGen allele CA1312102.
Genomic context (GRCh38, chr1:197,427,654, plus strand): 5'-AACAGCACTTATCAATATATCCGTGTCTGGCTAGAGCGCGGCAGACTAGCAATGCTGACT[C>G]CAAACTCTCCCAAATTAGTAGTAAAATTTGTTCTTAATGATGGAAATGTCCACTTGATAT-3'
Protein context (NP_957705.1, residues 767-787): LERGRLAMLT[Pro777Ala]NSPKLVVKFV